The following is an entry in ClinVar:

ClinVar aggregate classification (germline): Benign/Likely benign. Review status: criteria provided, multiple submitters, no conflicts (2 of 4 stars). 3 submissions from 3 submitters: Benign (1); Likely benign (2). Last evaluated 2026-02-02.

Conditions:
Hyperprolinemia type 2 (HYRPRO2). Also called: Deficiency of pyrroline-5-carboxylate reductase; 1-PYRROLINE-5-CARBOXYLATE DEHYDROGENASE DEFICIENCY; Delta-1-pyrroline-5-carboxylate dehydrogenase deficiency. Identifiers: Orphanet 79101, MedGen C2931835, MONDO:0009401, OMIM 239510.

Allele frequency attached by ClinVar (database versions not stated): 1000 Genomes Project 30x 0.01655; 1000 Genomes Project 0.01677; gnomAD exomes 0.01853 and 0.02873; TOPMed 0.02416; gnomAD 0.02429 and 0.02500; ExAC 0.03115.
gnomAD v4.1: 41,081 of 1,449,494 alleles (2.8%); highest among the groups gnomAD compares: Middle Eastern, 6%; 689 homozygotes.

Submissions (3):

Labcorp Genetics (formerly Invitae), Labcorp
Classification: Benign for Hyperprolinemia type 2. Last evaluated: 2026-02-02. Review status: criteria provided, single submitter. Criteria: Invitae Variant Classification Sherloc (09022015). Collection method: clinical testing. Allele origin: germline.

Illumina Laboratory Services, Illumina
Classification: Likely benign for Hyperprolinemia type 2. Last evaluated: 2018-01-13. Review status: criteria provided, single submitter. Criteria: ICSL Variant Classification Criteria 13 December 2019. Collection method: clinical testing. Allele origin: germline.
Comment: This variant was observed in the ICSL laboratory as part of a predisposition screen in an ostensibly healthy population. It had not been previously curated by ICSL or reported in the Human Gene Mutation Database (HGMD: prior to June 1st, 2018), and was therefore a candidate for classification through an automated scoring system. Utilizing variant allele frequency, disease prevalence and penetrance estimates, and inheritance mode, an automated score was calculated to assess if this variant is too frequent to cause the disease. Based on the score and internal cut-off values, a variant classified as likely benign is not then subjected to further curation. The score for this variant resulted in a classification of likely benign for this disease.

Breakthrough Genomics
Classification: Likely benign. Review status: criteria provided, single submitter. Criteria: ACMG Guidelines, 2015. Collection method: not provided. Allele origin: germline. Inheritance: Autosomal recessive inheritance. Affected: yes.

NM_003748.4(ALDH4A1):c.47C>T (p.Pro16Leu)

Genes: ALDH4A1 (aldehyde dehydrogenase 4 family member A1; minus strand), LOC129929550 (ATAC-STARR-seq lymphoblastoid silent region 346; plus strand). Cytogenetic location: 1p36.13.
Variant type: single nucleotide variant.
Coding change: c.47C>T on transcript NM_003748.4 (MANE Select); coding-DNA position 47, C replaced by T.
Protein change: p.Pro16Leu; replaces proline 16 with leucine.
Molecular consequence: missense variant.
Genome position (GRCh38, 1-based): chr1:18,902,477, G>A on the plus strand (C>T on the coding strand, the complement: ALDH4A1 is on the minus strand). VCF-style: chr1-18902477-G-A. GRCh37 (hg19) VCF-style: chr1-19228971-G-A.
Other names: c.47C>T, p.Pro16Leu (NM_001319218.2, NM_170726.3); short protein forms P16L.
Identifiers: ClinVar variation 471330 (VCV000471330.15), dbSNP rs146450609, ClinGen allele CA647556.